The following is an entry in ClinVar:

ClinVar aggregate classification (germline): Uncertain significance (1 of 4 stars; one submission).

Submission:

GeneDx
Classification: Uncertain significance. Last evaluated: 2023-12-03. Review status: criteria provided, single submitter. Criteria: GeneDx Variant Classification Process June 2021. Collection method: clinical testing. Allele origin: germline. Affected: yes.
Comment: Has not been previously published as pathogenic or benign to our knowledge; Not observed at significant frequency in large population cohorts (gnomAD); In silico analysis supports that this variant does not alter splicing

NM_020987.5(ANK3):c.12244+5G>A

Gene: ANK3 (ankyrin 3; minus strand). Cytogenetic location: 10q21.2.
Variant type: single nucleotide variant.
Coding change: c.12244+5G>A on transcript NM_020987.5 (MANE Select); 5 bases into the intron after coding-DNA position 12244, G replaced by A.
Molecular consequence: intron variant.
Genome position (GRCh38, 1-based): chr10:60,068,632, C>T on the plus strand (G>A on the coding strand, the complement: ANK3 is on the minus strand). VCF-style: chr10-60068632-C-T. GRCh37 (hg19) VCF-style: chr10-61828390-C-T.
Other names: c.4388-623G>A (NM_001204403.2); c.4409-623G>A (NM_001204404.2); c.4406-623G>A (NM_001320874.2); c.1808-623G>A (NM_001149.4).
Identifiers: ClinVar variation 3365328 (VCV003365328.1).